The following is an entry in ClinVar:

ClinVar aggregate classification (germline): Benign. Review status: criteria provided, multiple submitters, no conflicts (2 of 4 stars). 3 submissions from 3 submitters: Benign (2). 1 of the submissions does not count toward it. Last evaluated 2018-04-10.

Conditions:
CTTNBP2-related disorder. Also called: CTTNBP2-related condition.

Allele frequency attached by ClinVar (database versions not stated): gnomAD exomes 0.00028 and 0.00068; ExAC 0.00096; gnomAD 0.00296 and 0.00317; ESP Exome Variant Server 0.00315; TOPMed 0.00337; 1000 Genomes Project 0.00399; 1000 Genomes Project 30x 0.00437.
gnomAD v4.1: 888 of 1,609,750 alleles (0.055%); highest among the groups gnomAD compares: African/African-American, 1%; 6 homozygotes.

Submissions (3):

Labcorp Genetics (formerly Invitae), Labcorp
Classification: Benign. Last evaluated: 2018-04-10. Review status: criteria provided, single submitter. Criteria: Invitae Variant Classification Sherloc (09022015). Collection method: clinical testing. Allele origin: germline.

Breakthrough Genomics
Classification: Benign. Review status: criteria provided, single submitter. Criteria: ACMG Guidelines, 2015. Collection method: not provided. Allele origin: germline. Inheritance: Unknown mechanism. Affected: yes.

PreventionGenetics, part of Exact Sciences
Classification: Benign for CTTNBP2-related condition. Last evaluated: 2019-05-08. Review status: no assertion criteria provided. Collection method: clinical testing. Allele origin: germline. Not counted in ClinVar's aggregate classification.
Comment: This variant is classified as benign based on ACMG/AMP sequence variant interpretation guidelines (Richards et al. 2015 PMID: 25741868, with internal and published modifications).

NM_033427.3(CTTNBP2):c.183C>T (p.Ala61=)

Gene: CTTNBP2 (cortactin binding protein 2; minus strand). Cytogenetic location: 7q31.31.
Variant type: single nucleotide variant.
Coding change: c.183C>T on transcript NM_033427.3 (MANE Select); coding-DNA position 183, C replaced by T.
Protein change: p.Ala61=; no amino-acid change (alanine 61 retained).
Molecular consequence: synonymous variant. On other transcripts: 5 prime UTR variant (2).
Genome position (GRCh38, 1-based): chr7:117,861,215, G>A on the plus strand (C>T on the coding strand, the complement: CTTNBP2 is on the minus strand). VCF-style: chr7-117861215-G-A. GRCh37 (hg19) VCF-style: chr7-117501269-G-A.
Other names: c.129C>T, p.Ala43= (NM_001363349.1); c.-1752C>T (NM_001363350.1, NM_001363351.1).
Identifiers: ClinVar variation 726352 (VCV000726352.6), dbSNP rs78070459, ClinGen allele CA4452964.
Genomic context (GRCh38, chr7:117,861,215, plus strand): 5'-CTTTGAAAAAAGCAAATGATCCAGCATGGAGACCCACTCCTGTGTCGTCCTTACCCGCAG[G>A]GCCTCGATGACAAGGTCTCTGGCCTCCAGCTCCCCTTCCATCACGCTGAGGAGCATCCGC-3'
Protein context (NP_219499.1, residues 51-71): ELEARDLVIE[Ala61=]LRARRKEVFI